The following continues an entry in ClinVar:

NM_000218.3(KCNQ1):c.1552C>T (p.Arg518Ter)

Gene: KCNQ1. ClinVar aggregate classification (germline): Likely pathogenic. Likely pathogenic (1).

Submissions 7 to 18 of 37:

Variantyx, Inc.
Classification: Pathogenic for Long QT syndrome 1. Last evaluated: 2025-12-08. Review status: criteria provided, single submitter. Criteria: Variantyx Assertion Criteria 2022. Collection method: clinical testing. Allele origin: germline. Inheritance: Autosomal dominant inheritance. Affected: yes. Not counted in ClinVar's aggregate classification.
Comment: This is a nonsense variant in the KCNQ1 gene (OMIM: 607542). Pathogenic variants in this gene have been associated with autosomal dominant Long QT syndrome 1. This variant introduces a premature termination codon in exon 12 out of 16 and is expected to result in loss of function, which is a known disease mechanism for KCNQ1 in this disorder (PMID:26669661) (PVS1). This is an established founder variant in the Swedish population (PMID: 23098067, 24552659, 22539601) (PS4) and has a 0.0174% maximum allele frequency in non-founder control populations. Based on the current evidence, this variant is classified as pathogenic for autosomal dominant Long QT syndrome 1.

Genetics Laboratory, Great Ormond Street Hospital NHS Foundation Trust, North Thames Genomic Laboratory Hub
Classification: Pathogenic for Monogenic hearing loss. Last evaluated: 2025-08-14. Review status: criteria provided, single submitter. Criteria: ACGS Best Practice Guidelines for Variant Classification in Rare Disease 2024 v1.2. Collection method: clinical testing. Allele origin: germline. Affected: yes. Not counted in ClinVar's aggregate classification.
Comment: PS4_strong, PVS1_very-strong

Genetics and Molecular Pathology, SA Pathology
Classification: Pathogenic for Long QT syndrome 1. Last evaluated: 2025-04-28. Review status: criteria provided, single submitter. Criteria: ACMG Guidelines, 2015. Collection method: clinical testing. Allele origin: germline. Inheritance: Autosomal dominant inheritance. Not counted in ClinVar's aggregate classification.
Comment: The KCNQ1 c.1552C>T variant is classified as Pathogenic (PVS1, PP1_Strong) The KCNQ1 c.1552C>T variant is a single nucleotide change which is predicted to result in premature termination of the protein product at codon 518 in gene in which loss-of-function is a known disease mechanism (PMID: 19862833) (PVS1). This variant is a Swedish/Norwegian founder mutation that is commonly associated with a milder Long QT Syndrome 1 (LQTS) phenotype in symptomatic heterozygous individuals and a more severe Jervell Lange-Nielsen syndrome (JLNS) phenotype in biallelic individuals (PMID: 29922582, 14510661, 10482963, 34135346, 36310718, 11530100, 24552659, 34930020, 23098067). This variant co-segregates with LQTS with incomplete penetrance and intra-familial phenotypic variability and JLNS in multiple families (PMID: 24552659) (PP1_strong). It has been reported in dbSNP (rs17215500) and has been reported as Pathogenic by other diagnostic laboratories (ClinVar Variation ID: 3131). This variant was detected in a genomic screening context.

Blueprint Genetics
Classification: Pathogenic for KCNQ1-related disorders. Last evaluated: 2024-10-24. Review status: criteria provided, single submitter. Criteria: ACMG Guidelines, 2015. Collection method: clinical testing. Allele origin: germline. Affected: yes. Observed: 5 variant alleles. Not counted in ClinVar's aggregate classification.

Ambry Genetics
Classification: Pathogenic for Cardiovascular phenotype. Last evaluated: 2024-10-01. Review status: criteria provided, single submitter. Criteria: Ambry Variant Classification Scheme 2023. Collection method: clinical testing. Allele origin: germline. Not counted in ClinVar's aggregate classification.
Comment: The p.R518* pathogenic mutation (also known as c.1552C>T), located in coding exon 12 of the KCNQ1 gene, results from a C to T substitution at nucleotide position 1552. This changes the amino acid from an arginine to a stop codon within coding exon 12. This mutation, considered to be a Swedish founder mutation, has been described frequently in patients with autosomal recessive Jervell and Lange-Nielsen syndrome and in patients with autosomal dominant long QT syndrome, although some heterozygotes may exhibit mild phenotype or reduced penetrance (Larsen LA et al. Eur J Hum Genet. 1999;7(6):724-8; Tester DJ et al. Heart Rhythm. 2005;2(5):507-17; Kapplinger JD et al. Heart Rhythm. 2009;6(9):1297-303; Winbo A et al. Europace. 2012;14(12):1799-806; Winbo A et al. BMC Cardiovasc Disord. 2014;14:22). In addition to the clinical data presented in the literature, this alteration is expected to result in loss of function by premature protein truncation or nonsense-mediated mRNA decay. As such, this alteration is interpreted as a disease-causing mutation.

Revvity Omics, Revvity
Classification: Pathogenic. Last evaluated: 2024-09-23. Review status: criteria provided, single submitter. Criteria: ACMG Guidelines, 2015. Collection method: clinical testing. Allele origin: germline. Not counted in ClinVar's aggregate classification.

Molecular Diagnostic Laboratory for Inherited Cardiovascular Disease, Montreal Heart Institute
Classification: Pathogenic for Cardiovascular phenotype. Last evaluated: 2024-07-18. Review status: criteria provided, single submitter. Criteria: ACMG Guidelines, 2015. Collection method: clinical testing. Allele origin: germline. Affected: yes. Not counted in ClinVar's aggregate classification.
Comment: PVS1, PS3, PS4, PP1_strong, PM2, PM3

Mayo Clinic Laboratories, Mayo Clinic
Classification: Pathogenic. Last evaluated: 2024-07-09. Review status: criteria provided, single submitter. Criteria: ACMG Guidelines, 2015. Collection method: clinical testing. Allele origin: germline. Observed: 5 variant alleles. Not counted in ClinVar's aggregate classification.

Molecular Genetics, Royal Melbourne Hospital
Classification: Pathogenic for Long QT syndrome. Last evaluated: 2024-02-05. Review status: criteria provided, single submitter. Criteria: ACMG Guidelines, 2015. Collection method: clinical testing. Allele origin: germline. Inheritance: Semidominant inheritance. Affected: yes. Not counted in ClinVar's aggregate classification.
Comment: This sequence change in KCNQ1 is a nonsense variant predicted to cause a premature stop codon, p.(Arg518*), in biologically relevant exon 12/16 leading to nonsense-mediated decay in a gene in which loss-of-function is an established disease mechanism. The highest population minor allele frequency in the population database gnomAD v4.0 is 0.02% (205/1,179,992 alleles) in the European (non-Finnish) population. This variant is a Swedish founder mutation associated with a milder long QT syndrome (LQTS) phenotype in heterozygous individuals and a more severe phenotype consistent with Jervell Lange-Nielsen syndrome (JLNS) in biallelic individuals (PMID: 24552659, 34135346, 36310718). The variant has been reported to segregate with JLNS and LQTS (with incomplete penetrance) in multiple families (PMID: 24552659). Based on the classification scheme RMH Modified ACMG/AMP Guidelines v1.6.1, this variant is classified as PATHOGENIC. Following criteria are met: PVS1, PP1_Strong.

All of Us Research Program, National Institutes of Health
Classification: Pathogenic for Long QT syndrome. Last evaluated: 2024-01-08. Review status: criteria provided, single submitter. Criteria: ACMG Guidelines, 2015. Collection method: clinical testing. Allele origin: germline. Inheritance: Autosomal dominant inheritance. Observed: 20 variant alleles, 20 heterozygotes. Not counted in ClinVar's aggregate classification.
Comment: The c.1552C>T (p.Arg518*) variant of the KCNQ1 gene is located in exon 12 and is predicted to cause loss of normal protein function either through abnormal, prematurely truncated protein, or by absence of protein product due to nonsense-mediated mRNA decay. The loss-of-function variants in KCNQ1 gene are known to be pathogenic for long QT syndrome (LQTS) (PMID: 9323054, 19862833). This variant has been reported in individuals affected with autosomal recessive Jervell and Lange-Nielsen syndrome and has also been reported in autosomal recessive and autosomal dominant LQTS (PMID 10482963, 10704188, 10737999, 18752142, 22539601, 24552659, 27451284, and 28438721). Reduced penetrance and variable expressivity have been observed in individuals heterozygous for this variant (10482963, 11530100, and 24552659). This variant is a founder allele in Swedish population (PMID 22539601, 24552659). This variant is present at a low frequency (26/251412) in the general population according to gnomAD. For these reasons, the variant c.1552C>T (p.Arg518*) variant in the KCNQ1 gene has been classified as pathogenic.

This study involves interpretation of variants in research participants for the purpose of population health screening. Participant phenotype was not available at the time of variant classification. Additional details can be found in publication PMID: 35346344, PMCID: PMC8962531

Color Diagnostics, LLC DBA Color Health
Classification: Pathogenic for Cardiac arrhythmia. Last evaluated: 2023-12-18. Review status: criteria provided, single submitter. Criteria: ACMG Guidelines, 2015. Collection method: clinical testing. Allele origin: germline. Not counted in ClinVar's aggregate classification.
Comment: This variant changes 1 nucleotide in exon 12 of the KCNQ1 gene, creating a premature translation stop signal. It is expected to result in an absent or non-functional protein product. This variant has been reported in over 90 heterozygous individuals with mild long QT syndrome (PMID: 23098067, 24552659), as well as in over 30 compound heterozygous or homozygous individuals affected with Jervell and Lange-Nielsen syndrome (PMID: 10704188, 22539601, 24552659). This variant is thought to be a Swedish founder mutation (PMID: 24552659). This variant has been identified in 26/251412 chromosomes (20/113712 non-Finnish European chromosomes) in the general population by the Genome Aggregation Database (gnomAD). Loss of KCNQ1 function is a known mechanism of disease. Based on available evidence, this variant is classified as Pathogenic.

Baylor Genetics
Classification: Pathogenic for Long QT syndrome 1. Last evaluated: 2023-05-03. Review status: criteria provided, single submitter. Criteria: ACMG Guidelines, 2015. Collection method: clinical testing. Allele origin: unknown. Not counted in ClinVar's aggregate classification.